The following is an entry in ClinVar:

ClinVar aggregate classification (germline): Uncertain significance (1 of 4 stars; one submission).

Conditions:
Intellectual disability. Also called: Intellectual functioning disability; intellectual disabilities; Intellectual developmental disorder. Identifiers: MedGen C3714756, MeSH D008607, MONDO:0001071, HP:0001249.

Submissions (2):

Clinical Genetics Laboratory, Skane University Hospital Lund
Classification: Uncertain significance for Intellectual disability. Last evaluated: 2026-03-09. Review status: criteria provided, single submitter. Criteria: ACMG Guidelines, 2015. Collection method: clinical testing. Allele origin: germline. Inheritance: X-linked recessive inheritance. Affected: yes.
Comment: ACMG criteria: PM2

Dr. Peter K. Rogan Lab, Western University
No classification provided (evidence only). Condition: Nonpapillary renal cell carcinoma. Review status: no classification provided. Collection method: in vitro. Allele origin: not applicable. Functional consequence: retained intron. Not counted in ClinVar's aggregate classification.

NM_001039591.3(USP9X):c.2699A>G (p.Asp900Gly)

Gene: USP9X (ubiquitin specific peptidase 9 X-linked; plus strand). Cytogenetic location: Xp11.4.
Variant type: single nucleotide variant.
Coding change: c.2699A>G on transcript NM_001039591.3 (MANE Select); coding-DNA position 2699, A replaced by G.
Protein change: p.Asp900Gly; replaces aspartic acid 900 with glycine.
Molecular consequence: missense variant.
Genome position (GRCh38, 1-based): chrX:41,170,057, A>G. VCF-style: chrX-41170057-A-G. GRCh37 (hg19) VCF-style: chrX-41029310-A-G.
Other names: NC_000023.10:g.41029310A>G; c.2699A>G, p.Asp900Gly (NM_001039590.3); c.2714A>G, p.Asp905Gly (NM_001410748.1, NM_001410749.1, NM_001437534.1); short protein forms D900G, D905G.
Identifiers: ClinVar variation 4488792 (VCV004488792.1).